The following is an entry in ClinVar:

ClinVar aggregate classification (germline): Pathogenic/Likely pathogenic. Review status: criteria provided, multiple submitters, no conflicts (2 of 4 stars). 5 submissions from 5 submitters: Pathogenic (3); Likely pathogenic (2). Last evaluated 2025-03-18.

Conditions:
Polycystic kidney disease 4 (PKD4). Also called: POLYCYSTIC KIDNEY AND HEPATIC DISEASE 1; POLYCYSTIC KIDNEY DISEASE, INFANTILE, TYPE I; PKD3; Autosomal Recessive Polycystic Kidney Disease – PKHD1; POLYCYSTIC KIDNEY DISEASE 4 WITH OR WITHOUT POLYCYSTIC LIVER DISEASE. Identifiers: MedGen C4540575, MONDO:0033004, OMIM 263200.
Autosomal recessive polycystic kidney disease (ARPKD). Also called: AR polycystic kidney disease. Identifiers: Orphanet 731, Orphanet 8378, MedGen C0085548, MeSH D017044, MONDO:0009889.

Allele frequency attached by ClinVar (database versions not stated): gnomAD exomes below 0.00001.
gnomAD v4.1: 1 of 1,611,562 alleles (0.000062%); highest among the groups gnomAD compares: Non-Finnish European, 0.000085%; no homozygotes.

Submissions (5):

Natera, Inc.
Classification: Likely pathogenic for Autosomal recessive polycystic kidney disease. Last evaluated: 2025-03-18. Review status: criteria provided, single submitter. Criteria: Natera Variant Classification Schema (03/2026). Collection method: clinical testing. Allele origin: germline.
Comment: The c.1602+1G>A variant in PKHD1 is a canonical splice donor site variant predicted to affect pre-mRNA splicing, which may result in an abnormal transcript and altered protein product. This variant may result in a truncated or dysfunctional protein product. This variant is rare in the general population with a frequency below the threshold expected for the associated phenotype(s). This variant has been observed in one or more individuals affected with the associated recessive disease, as either homozygous or compound heterozygous with a second variant (PMID: 33437033). Given the available evidence, this variant is classified as Likely Pathogenic.

Baylor Genetics
Classification: Pathogenic for Polycystic kidney disease 4. Last evaluated: 2023-06-28. Review status: criteria provided, single submitter. Criteria: ACMG Guidelines, 2015. Collection method: clinical testing. Allele origin: unknown.

Victorian Clinical Genetics Services, Murdoch Childrens Research Institute
Classification: Likely pathogenic for Polycystic kidney disease 4. Last evaluated: 2020-10-19. Review status: criteria provided, single submitter. Criteria: ACMG Guidelines, 2015. Collection method: clinical testing. Allele origin: germline. Inheritance: Autosomal recessive inheritance.
Comment: Based on the classification scheme VCGS_Germline_v1.3.3, this variant is classified as 4-Likely Pathogenic. Following criteria are met: 0102 - Loss of function is a known mechanism of disease in this gene and is associated with polycystic kidney disease 4, with or without hepatic disease (MIM#263200). (I) 0106 - This gene is associated with autosomal recessive disease. (I) 0211 - Canonical splice site variant without proven consequence on splicing (no functional evidence available). (SP) 0251 - This variant is heterozygous. (I) 0301 - Variant is absent from gnomAD (both v2 and v3). (SP) 0311 - An alternative nucleotide change at the same canonical splice site, is present in gnomAD (v2) at a frequency of 0.00003 (c.1602+1delG: 1 heterozygotes, 0 homozygotes). (I) 0508 - In silico predictions for abnormal splicing are inconclusive. (I) 0705 - No comparable canonical splice site variants have previous evidence for pathogenicity. (I) 0803 - This variant has limited previous evidence of pathogenicity in unrelated individuals. This variant has been reported in two individuals (ClinVar). (SP) 0905 - No published segregation evidence has been identified for this variant. (I) 1007 - No published functional evidence has been identified for this variant. (I) 1208 - Inheritance information for this variant is not currently available in this individual. (I) Legend: (SP) - Supporting pathogenic, (I) - Information, (SB) - Supporting benign

Molecular Genetics of Inherited Kidney Disorders Laboratory, Garvan Institute of Medical Research
Classification: Pathogenic. Last evaluated: 2019-01-01. Review status: criteria provided, single submitter. Criteria: ACMG Guidelines, 2015. Collection method: clinical testing. Allele origin: germline. Affected: yes.

Eurofins Ntd Llc (ga)
Classification: Pathogenic. Last evaluated: 2012-11-01. Review status: criteria provided, single submitter. Criteria: EGL Classification Definitions. Collection method: clinical testing. Allele origin: germline. Observed: 1 variant allele, 1 heterozygote.

Literature cited by the submitters: PubMed 33437033 (cited by Natera, Inc.).

NM_138694.4(PKHD1):c.1602+1G>A

Gene: PKHD1 (PKHD1 ciliary IPT domain containing fibrocystin/polyductin; minus strand). Cytogenetic location: 6p12.2.
Variant type: single nucleotide variant.
Coding change: c.1602+1G>A on transcript NM_138694.4 (MANE Select); the canonical splice donor site of the intron after coding-DNA position 1602, G replaced by A.
Molecular consequence: splice donor variant.
Genome position (GRCh38, 1-based): chr6:52,056,889, C>T on the plus strand (G>A on the coding strand, the complement: PKHD1 is on the minus strand). VCF-style: chr6-52056889-C-T. GRCh37 (hg19) VCF-style: chr6-51921687-C-T.
Other names: c.1602+1G>A (NM_170724.3).
Identifiers: ClinVar variation 96379 (VCV000096379.10), dbSNP rs398124476, ClinGen allele CA224054.